The following is an entry in ClinVar:

NM_006663.4(PPP1R13L):c.1219C>T (p.Gln407Ter)

Gene: PPP1R13L (protein phosphatase 1 regulatory subunit 13 like; minus strand). Cytogenetic location: 19q13.32.
Variant type: single nucleotide variant.
Coding change: c.1219C>T on transcript NM_006663.4 (MANE Select); coding-DNA position 1219, C replaced by T.
Protein change: p.Gln407Ter; replaces glutamine 407 with a stop codon.
Molecular consequence: nonsense.
Genome position (GRCh38, 1-based): chr19:45,395,571, G>A on the plus strand (C>T on the coding strand, the complement: PPP1R13L is on the minus strand). VCF-style: chr19-45395571-G-A. GRCh37 (hg19) VCF-style: chr19-45898829-G-A.
Other names: c.1219C>T, p.Gln407Ter (NM_001142502.2); short protein forms Q407*.
Identifiers: ClinVar variation 974808 (VCV000974808.1), dbSNP rs1290915929, ClinGen allele CA406392064.
Genomic context (GRCh38, chr19:45,395,571, plus strand): 5'-GTGGGGGCAGCTGGGGCTGTGGTTGTGATTGTGGCTGGGGCTGTGGTTGTGGTTGGGGCT[G>A]CAGCTTAGGCGGGGGTGCTCGGGTGAAGAGGGGGGACCCAGGGAGCATGGCGCGGCTGGC-3'

ClinVar aggregate classification (germline): Likely pathogenic (1 of 4 stars; one submission).

Conditions:
Primary dilated cardiomyopathy (DCM). Also called: Dilated Cardiomyopathy. Identifiers: Orphanet 217604, MedGen C0007193, MeSH D002311, MONDO:0005021, HP:0001644. Inheritance: Various modes of inheritance.

Allele frequency attached by ClinVar (database versions not stated): gnomAD exomes below 0.00001; gnomAD 0.00001; TOPMed 0.00001.

Submission:

Exeter Genomics Laboratory, Royal Devon University Healthcare NHS Foundation Trust
Classification: Likely pathogenic for Primary dilated cardiomyopathy. Last evaluated: 2020-06-10. Review status: criteria provided, single submitter. Criteria: ACMG Guidelines, 2015. Collection method: clinical testing. Allele origin: germline. Affected: yes.
Comment: This variant, NM_001142502.1:c.1219C>T, was found in compound heterozygosity with the likely pathogenic variant NM_001142502.1:c.1537del.